The following is an entry in ClinVar:

NM_000245.4(MET):c.774del (p.Phe258fs)

Gene: MET (MET proto-oncogene, receptor tyrosine kinase; plus strand). Cytogenetic location: 7q31.2.
Variant type: Deletion.
Coding change: c.774del on transcript NM_000245.4 (MANE Select); coding-DNA position 774, one base deleted (T; older notation c.774delT).
Protein change: p.Phe258fs; shifts the reading frame from phenylalanine 258.
Molecular consequence: frameshift variant. On other transcripts: intron variant (1).
Genome position (GRCh38, 1-based): chr7:116,699,858, T deleted; the last of 4 consecutive T bases (chr7:116,699,855-116,699,858); deleting any one gives the same sequence. VCF-style (leftmost placement, unchanged base first): chr7-116699854-AT-A. GRCh37 (hg19) VCF-style: chr7-116339908-AT-A.
Other names: c.774del, p.Phe258fs (NM_001127500.3, NM_001324401.3); c.-91+27281del (NM_001324402.2); c.774delT (NM_001127500.1); c.774del (NM_001127500.1); short protein forms F258fs.
Identifiers: ClinVar variation 1426999 (VCV001426999.9), dbSNP rs1281772042, ClinGen allele CA577680429.

ClinVar aggregate classification (germline): Uncertain significance. Review status: criteria provided, multiple submitters, no conflicts (2 of 4 stars). 3 submissions from 3 submitters: Uncertain significance (3). Last evaluated 2025-06-22.

Conditions:
Renal cell carcinoma. Identifiers: Orphanet 217071, MedGen C0007134, MeSH D002292, MONDO:0005086, HP:0005584.
Hereditary cancer-predisposing syndrome. Also called: Tumor predisposition; Hereditary neoplastic syndrome; Neoplastic Syndromes, Hereditary; Hereditary Cancer Syndrome. Identifiers: Orphanet 140162, MedGen C0027672, MeSH D009386, MONDO:0015356.

Submissions (3):

Labcorp Genetics (formerly Invitae), Labcorp
Classification: Uncertain significance for Renal cell carcinoma. Last evaluated: 2025-06-22. Review status: criteria provided, single submitter. Criteria: Invitae Variant Classification Sherloc (09022015). Collection method: clinical testing. Allele origin: germline.
Comment: This sequence change creates a premature translational stop signal (p.Phe258Leufs*5) in the MET gene. It is expected to result in an absent or disrupted protein product. However, the current clinical and genetic evidence is not sufficient to establish whether loss-of-function variants in MET cause disease. This variant is present in population databases (no rsID available, gnomAD no frequency). This variant has not been reported in the literature in individuals affected with MET-related conditions. ClinVar contains an entry for this variant (Variation ID: 1426999). In summary, the available evidence is currently insufficient to determine the role of this variant in disease. Therefore, it has been classified as a Variant of Uncertain Significance.

Ambry Genetics
Classification: Uncertain significance for Hereditary cancer-predisposing syndrome. Last evaluated: 2025-05-09. Review status: criteria provided, single submitter. Criteria: Ambry Variant Classification Scheme 2023. Collection method: clinical testing. Allele origin: germline.
Comment: The c.774delT variant, located in coding exon 1 of the MET gene, results from a deletion of one nucleotide at nucleotide position 774, causing a translational frameshift with a predicted alternate stop codon (p.F258Lfs*5). This alteration is expected to result in premature protein truncation or nonsense-mediated mRNA decay. However, loss of function of MET has not been clearly established as a mechanism of disease. Based on the available evidence, the clinical significance of this alteration remains unclear.

GeneDx
Classification: Uncertain significance. Last evaluated: 2023-04-04. Review status: criteria provided, single submitter. Criteria: GeneDx Variant Classification Process June 2021. Collection method: clinical testing. Allele origin: germline. Affected: yes.
Comment: Predicted loss-of-function variant in a gene for which the disease mechanism is known to be gain-of-function; Not observed at significant frequency in large population cohorts (gnomAD); Has not been previously published as pathogenic or benign to our knowledge; This variant is associated with the following publications: (PMID: 27535533)